The following is an entry in ClinVar:

ClinVar aggregate classification (germline): Uncertain significance (1 of 4 stars; one submission).

Submission:

GeneDx
Classification: Uncertain significance. Last evaluated: 2019-05-30. Review status: criteria provided, single submitter. Criteria: GeneDx Variant Classification Process June 2021. Collection method: clinical testing. Allele origin: germline. Affected: yes.
Comment: Not observed in large population cohorts (Lek et al., 2016); In silico analysis, which includes protein predictors and evolutionary conservation, supports that this variant does not alter protein structure/function; Has not been previously published as pathogenic or benign to our knowledge

NM_021120.4(DLG3):c.786G>C (p.Glu262Asp)

Gene: DLG3 (discs large MAGUK scaffold protein 3; plus strand). Cytogenetic location: Xq13.1.
Variant type: single nucleotide variant.
Coding change: c.786G>C on transcript NM_021120.4 (MANE Select); coding-DNA position 786, G replaced by C.
Protein change: p.Glu262Asp; replaces glutamic acid 262 with aspartic acid.
Molecular consequence: missense variant.
Genome position (GRCh38, 1-based): chrX:70,450,251, G>C. VCF-style: chrX-70450251-G-C. GRCh37 (hg19) VCF-style: chrX-69670101-G-C.
Other names: short protein forms E262D.
Identifiers: ClinVar variation 1204036 (VCV001204036.3), dbSNP rs141106519, ClinGen allele CA413492747.